The following is an entry in ClinVar:

ClinVar aggregate classification (germline): Benign/Likely benign. Review status: criteria provided, multiple submitters, no conflicts (2 of 4 stars). 3 submissions from 3 submitters: Benign (1); Likely benign (1). 1 of the submissions does not count toward it. Last evaluated 2025-04-24.

Conditions:
Multiple congenital exostosis (EXT). Also called: Hereditary multiple osteochondromas; Hereditary multiple exostoses; Hereditary multiple exostosis; Multiple exostoses; MULTIPLE CARTILAGINOUS EXOSTOSES; Multiple osteochondromas. Identifiers: Orphanet 321, MedGen C0015306, MONDO:0005508, HP:0002762.
EXT1-related disorder. Also called: EXT1-related condition.

Allele frequency attached by ClinVar (database versions not stated): 1000 Genomes Project 30x 0.00047; gnomAD 0.00027 and 0.00028; 1000 Genomes Project 0.00040; TOPMed 0.00040; ESP Exome Variant Server 0.00046.
gnomAD v4.1: 84 of 1,613,122 alleles (0.0052%); highest among the groups gnomAD compares: African/African-American, 0.1%; no homozygotes.

Submissions (3):

Labcorp Genetics (formerly Invitae), Labcorp
Classification: Benign for Multiple congenital exostosis. Last evaluated: 2025-04-24. Review status: criteria provided, single submitter. Criteria: Invitae Variant Classification Sherloc (09022015). Collection method: clinical testing. Allele origin: germline.

Breakthrough Genomics
Classification: Likely benign. Review status: criteria provided, single submitter. Criteria: ACMG Guidelines, 2015. Collection method: not provided. Allele origin: germline. Inheritance: Autosomal dominant inheritance. Affected: yes.

PreventionGenetics, part of Exact Sciences
Classification: Likely benign for EXT1-related condition. Last evaluated: 2024-05-30. Review status: no assertion criteria provided. Collection method: clinical testing. Allele origin: germline. Not counted in ClinVar's aggregate classification.
Comment: This variant is classified as likely benign based on ACMG/AMP sequence variant interpretation guidelines (Richards et al. 2015 PMID: 25741868, with internal and published modifications).

NM_000127.3(EXT1):c.99C>T (p.Ser33=)

Gene: EXT1 (exostosin glycosyltransferase 1; minus strand). Cytogenetic location: 8q24.11.
Variant type: single nucleotide variant.
Coding change: c.99C>T on transcript NM_000127.3 (MANE Select); coding-DNA position 99, C replaced by T.
Protein change: p.Ser33=; no amino-acid change (serine 33 retained).
Molecular consequence: synonymous variant.
Genome position (GRCh38, 1-based): chr8:118,110,948, G>A on the plus strand (C>T on the coding strand, the complement: EXT1 is on the minus strand). VCF-style: chr8-118110948-G-A. GRCh37 (hg19) VCF-style: chr8-119123187-G-A.
Identifiers: ClinVar variation 733203 (VCV000733203.14), dbSNP rs147654656, ClinGen allele CA4854426.